The following is an entry in ClinVar:

NM_013266.4(CTNNA3):c.292+3G>A

Gene: CTNNA3 (catenin alpha 3; minus strand). Cytogenetic location: 10q21.3.
Variant type: single nucleotide variant.
Coding change: c.292+3G>A on transcript NM_013266.4 (MANE Select); 3 bases into the intron after coding-DNA position 292, G replaced by A.
Molecular consequence: intron variant.
Genome position (GRCh38, 1-based): chr10:67,606,854, C>T on the plus strand (G>A on the coding strand, the complement: CTNNA3 is on the minus strand). VCF-style: chr10-67606854-C-T. GRCh37 (hg19) VCF-style: chr10-69366612-C-T.
Other names: c.292+3G>A (NM_001127384.3); c.328+3G>A (NM_001291133.2).
Identifiers: ClinVar variation 4734229 (VCV004734229.1).
Genomic context (GRCh38, chr10:67,606,854, plus strand): 5'-AATTTGGGTGACTAACACCCTAAAGATATGCAGTTTGCTCCTGACCAGGATTGGAGTACT[C>T]ACTTTCTTTGCGAACTTCCTCAAGTGAAGCCGTAAGCTCATCCTTTAAAACTGTAGCTTC-3'

ClinVar aggregate classification (germline): Uncertain significance (1 of 4 stars; one submission).

Conditions:
Arrhythmogenic right ventricular dysplasia 13. Also called: ARRHYTHMOGENIC RIGHT VENTRICULAR CARDIOMYOPATHY 13; Arrhythmogenic right ventricular dysplasia, familial, 13. Identifiers: MedGen C3810138, MONDO:0000908, OMIM 615616.

Submission:

Labcorp Genetics (formerly Invitae), Labcorp
Classification: Uncertain significance for Arrhythmogenic right ventricular dysplasia 13. Last evaluated: 2026-01-08. Review status: criteria provided, single submitter. Criteria: Invitae Variant Classification Sherloc (09022015). Collection method: clinical testing. Allele origin: germline.
Comment: This sequence change falls in intron 3 of the CTNNA3 gene. It does not directly change the encoded amino acid sequence of the CTNNA3 protein. It affects a nucleotide within the consensus splice site. This variant is not present in population databases (gnomAD no frequency). This variant has not been reported in the literature in individuals affected with CTNNA3-related conditions. Variants that disrupt the consensus splice site are a relatively common cause of aberrant splicing (PMID: 17576681, 9536098). Algorithms developed to predict the effect of sequence changes on RNA splicing suggest that this variant is not likely to affect RNA splicing. In summary, the available evidence is currently insufficient to determine the role of this variant in disease. Therefore, it has been classified as a Variant of Uncertain Significance.

Literature cited by the submitters: PubMed 17576681; PubMed 9536098.